The following continues an entry in ClinVar:

NM_000535.7(PMS2):c.1927C>T (p.Gln643Ter)

Gene: PMS2. ClinVar aggregate classification (germline): Pathogenic. Pathogenic (1).

Submissions 9 to 13 of 13:

Women's Health and Genetics/Laboratory Corporation of America, LabCorp
Classification: Pathogenic for Hereditary nonpolyposis colon cancer. Last evaluated: 2023-07-06. Review status: criteria provided, single submitter. Criteria: LabCorp Variant Classification Summary - May 2015. Collection method: clinical testing. Allele origin: germline. Not counted in ClinVar's aggregate classification.
Comment: Variant summary: PMS2 c.1927C>T (p.Gln643X) results in a premature termination codon, predicted to cause a truncation of the encoded protein or absence of the protein due to nonsense mediated decay, which are commonly known mechanisms for disease. The variant allele was found at a frequency of 4e-06 in 251280 control chromosomes (i.e., 1 heterozygote; gnomAD v2.1, Exomes dataset). The available data on variant occurrences in the general population are insufficient to allow any conclusion about variant significance. The variant, c.1927C>T, has been reported in the literature in numerous individuals affected with Lynch Syndrome (e.g., Senter_2008, Agostini_2005, Rosty_2016). The variant of interest has also been identified in compound heterozygous patients who have early-onset cancers, as well as in heterozygous colorectal cancer patients with a later age of onset than in compound heterozygotes (e.g., Pastrello_2011, Vaughn_2010). These data indicate that the variant is very likely to be associated with disease. At least one publication reports a loss of PMS2 immunohistochemistry reactivity, suggesting that the transcript undergoes nonsense-mediated decay or the truncated protein product is unstable (e.g., Vaughn_2010). The following publications have been ascertained in the context of this evaluation (PMID: 20205264, 21239990, 16283678, 22658618, 18602922, 16144131, 19283792, 26895986). Six submitters have reported clinical-significance assessments for this variant to ClinVar after 2014. All submitters classified the variant as pathogenic. Based on the evidence outlined above, the variant was classified as pathogenic.

Laboratory for Molecular Medicine, Mass General Brigham Personalized Medicine
Classification: Pathogenic for Lynch syndrome. Last evaluated: 2021-10-27. Review status: criteria provided, single submitter. Criteria: ACMG Guidelines, 2015. Collection method: clinical testing. Allele origin: germline. Inheritance: Autosomal dominant inheritance. Not counted in ClinVar's aggregate classification.
Comment: The p.Gln643X variant in PMS2 has been reported in at least 5 individuals with Lynch syndrome-associated cancers where most tumors lacked PMS2 expression on immunohistochemistry (Senter 2008 PMID: 18602922, Rosty 2016 PMID: 26895986, Okkels 2019 PMID: 31433215, Wang 2020 PMID: 31992580), and segregated with colorectal cancer in 1 affected relative (Agostini 2005 PMID: 16144131). It has also been reported in the compound heterozygous state in 2 individuals with early-onset cancers consistent with Turcot syndrome and in 2 individuals with clinical features of constitutional mismatch repair deficiency (CMMRD; Agostini 2005 PMID: 16144131, Vaughn 2010 PMID: 20205264, Grobner 2018 PMID: 29489754, Rusch 2018 PMID: 30262806). Additionally, this variant was absent from large population studies. This nonsense variant leads to a premature termination codon at position 643, which is predicted to lead to a truncated or absent protein. Loss of function of the PMS2 gene is an established disease mechanism in autosomal dominant Lynch syndrome as well as autosomal recessive CMMRD. This variant was classified as pathogenic on September 5, 2013 by the ClinGen-approved InSiGHT expert panel (Variation ID 91320). In summary, this variant meets criteria to be classified as pathogenic for autosomal dominant Lynch syndrome. (ACMG/AMP Criteria applied: PVS1, PM2_Supporting, PS4_Supporting) and autosomal recessive CMMRD (ACMG/AMP Criteria applied: PVS1, PM2_Supporting, PM3).

GeneDx
Classification: Pathogenic. Last evaluated: 2021-01-27. Review status: criteria provided, single submitter. Criteria: GeneDx Variant Classification Process June 2021. Collection method: clinical testing. Allele origin: germline. Affected: yes. Not counted in ClinVar's aggregate classification.
Comment: Nonsense variant predicted to result in protein truncation or nonsense mediated decay in a gene for which loss-of-function is a known mechanism of disease; Reported in multiple individuals with colorectal cancer whose tumors lacked PMS2 expression on immunohistochemistry (Senter 2008, Goodenberger 2016, Rosty 2016, Wang 2020); Observed with a pathogenic variant on the opposite allele (in trans) in patients with constitutional mismatch repair deficiency syndrome in published literature (Agostini 2005, Vaughn 2010); Truncating variants in this gene are considered pathogenic by a well-established clinical consortium and/or database; Not observed at a significant frequency in large population cohorts (Lek 2016); This variant is associated with the following publications: (PMID: 25525159, 26895986, 22658618, 28514183, 29489754, 25637381, 16740762, 21239990, 16144131, 18602922, 18709565, 25856668, 20205264, 21376568, 19283792, 20531397, 16283678, 30262806, 31447099, 31992580, 32231684, 31433215, 32719484, 30755392)

Center for Personalized Medicine, Children's Hospital Los Angeles
Classification: Pathogenic. Last evaluated: 2018-11-19. Review status: criteria provided, single submitter. Criteria: ACMG Guidelines, 2015. Collection method: clinical testing. Allele origin: germline. Affected: yes. Not counted in ClinVar's aggregate classification.

CSER _CC_NCGL, University of Washington
Classification: Pathogenic for Turcot syndrome. Last evaluated: 2014-06-01. Review status: no assertion criteria provided. Collection method: research. Allele origin: germline. Inheritance: Autosomal dominant inheritance. Study: ESP 6500 variant annotation. Not counted in ClinVar's aggregate classification.
Comment: Variants classified for the Actionable exomic incidental findings in 6503 participants: challenges of variant classification manuscript

Literature cited by the submitters: PubMed 21376568 (cited by Labcorp Genetics (formerly Invitae), Labcorp); PubMed 24362816 (cited by Labcorp Genetics (formerly Invitae), Labcorp); PubMed 6144131 (cited by Labcorp Genetics (formerly Invitae), Labcorp); PubMed 18602922 (cited by 6 submitters); PubMed 20205264 (cited by 6 submitters); PubMed 23012243 (cited by Labcorp Genetics (formerly Invitae), Labcorp and Quest Diagnostics Nichols Institute San Juan Capistrano); PubMed 26895986 (cited by 7 submitters); PubMed 16144131 (cited by 5 submitters); PubMed 27273229 (cited by Color Diagnostics, LLC DBA Color Health and All of Us Research Program, National Institutes of Health); PubMed 31433215 (cited by Color Diagnostics, LLC DBA Color Health and All of Us Research Program, National Institutes of Health); PubMed 25637381 (cited by Ambry Genetics and Laboratory for Molecular Medicine, Mass General Brigham Personalized Medicine); PubMed 33753322 (cited by All of Us Research Program, National Institutes of Health); PubMed 29489754 (cited by Quest Diagnostics Nichols Institute San Juan Capistrano); PubMed 25525159 (cited by Quest Diagnostics Nichols Institute San Juan Capistrano and Laboratory for Molecular Medicine, Mass General Brigham Personalized Medicine); PubMed 21239990 (cited by Quest Diagnostics Nichols Institute San Juan Capistrano and Women's Health and Genetics/Laboratory Corporation of America, LabCorp); PubMed 31992580 (cited by Quest Diagnostics Nichols Institute San Juan Capistrano); PubMed 33471991 (cited by Quest Diagnostics Nichols Institute San Juan Capistrano); PubMed 16283678 (cited by Women's Health and Genetics/Laboratory Corporation of America, LabCorp); PubMed 22658618 (cited by Women's Health and Genetics/Laboratory Corporation of America, LabCorp); PubMed 19283792 (cited by Women's Health and Genetics/Laboratory Corporation of America, LabCorp).